The following is an entry in ClinVar:

NM_000218.3(KCNQ1):c.961C>T (p.Gln321Ter)

Gene: KCNQ1 (potassium voltage-gated channel subfamily Q member 1; plus strand). Cytogenetic location: 11p15.5.
Variant type: single nucleotide variant.
Coding change: c.961C>T on transcript NM_000218.3 (MANE Select); coding-DNA position 961, C replaced by T.
Protein change: p.Gln321Ter; replaces glutamine 321 with a stop codon.
Molecular consequence: nonsense.
Genome position (GRCh38, 1-based): chr11:2,583,474, C>T. VCF-style: chr11-2583474-C-T. GRCh37 (hg19) VCF-style: chr11-2604704-C-T.
Other names: p.Q321*:CAG>TAG; c.517C>T, p.Gln173Ter (NM_001406838.1); c.580C>T, p.Gln194Ter (NM_181798.2); c.961C>T, p.Gln321Ter (NM_001406836.1); c.691C>T, p.Gln231Ter (NM_001406837.1); short protein forms Q194*, Q321*, Q173*, Q231*.
Identifiers: ClinVar variation 200828 (VCV000200828.10), dbSNP rs794728517, ClinGen allele CA008923.

ClinVar aggregate classification (germline): Pathogenic/Likely pathogenic. Review status: criteria provided, multiple submitters, no conflicts (2 of 4 stars). 2 submissions from 2 submitters: Pathogenic (1); Likely pathogenic (1). Last evaluated 2024-06-18.

Conditions:
Long QT syndrome (LQTS). Identifiers: MedGen C0023976, MeSH D008133, MONDO:0002442. Disease mechanism: loss of function. Inheritance: Various modes of inheritance.

Submissions (2):

GeneDx
Classification: Likely pathogenic. Last evaluated: 2024-06-18. Review status: criteria provided, single submitter. Criteria: GeneDx Variant Classification Process June 2021. Collection method: clinical testing. Allele origin: germline. Affected: yes.
Comment: Nonsense variant predicted to result in protein truncation or nonsense mediated decay in a gene for which loss of function is a known mechanism of disease; Not observed at significant frequency in large population cohorts (gnomAD); Has not been previously published in association with a KCNQ1-related disorder to our knowledge; This variant is associated with the following publications: (PMID: 30291343)

Labcorp Genetics (formerly Invitae), Labcorp
Classification: Pathogenic for Long QT syndrome. Last evaluated: 2023-09-10. Review status: criteria provided, single submitter. Criteria: Invitae Variant Classification Sherloc (09022015). Collection method: clinical testing. Allele origin: germline.
Comment: For these reasons, this variant has been classified as Pathogenic. ClinVar contains an entry for this variant (Variation ID: 200828). This variant has not been reported in the literature in individuals affected with KCNQ1-related conditions. This variant is not present in population databases (gnomAD no frequency). This sequence change creates a premature translational stop signal (p.Gln321*) in the KCNQ1 gene. It is expected to result in an absent or disrupted protein product. Loss-of-function variants in KCNQ1 are known to be pathogenic (PMID: 9323054, 19862833).

Literature cited by the submitters: PubMed 9323054 (cited by Labcorp Genetics (formerly Invitae), Labcorp); PubMed 19862833 (cited by Labcorp Genetics (formerly Invitae), Labcorp).